The following is an entry in ClinVar:

ClinVar aggregate classification (germline): Conflicting classifications of pathogenicity. Review status: criteria provided, conflicting classifications (1 of 4 stars). 10 submissions from 10 submitters: Uncertain significance (3); Likely benign (3). 4 of the submissions do not count toward it. Last evaluated 2025-11-06.

Conditions:
SIX5-related disorder. Also called: SIX5-related condition.
Branchiootorenal syndrome 2 (BOR2). Identifiers: Orphanet 107, MedGen C1970479, MONDO:0012575, OMIM 610896.

Allele frequency attached by ClinVar (database versions not stated): ExAC 0.00005; gnomAD exomes 0.00005 and 0.00019; gnomAD 0.00009; TOPMed 0.00015.

Submissions (10):

PreventionGenetics, part of Exact Sciences
Classification: Uncertain significance for SIX5-related condition. Last evaluated: 2025-11-06. Review status: criteria provided, single submitter. Criteria: ACMG Guidelines, 2015. Collection method: clinical testing. Allele origin: germline.
Comment: The SIX5 c.886G>A variant is predicted to result in the amino acid substitution p.Ala296Thr. This variant has been reported in the heterozygous state in an individual with branchio-oto-renal syndrome (Hoskins et al. 2007. PubMed ID: 17357085). Experimental studies using a yeast two-hybrid assay and a luciferase assay were inconclusive (Hoskins et al. 2007. PubMed ID: 17357085). This variant is reported in 0.017% of alleles in individuals of African descent in gnomAD, including more than 280 heterozygotes in the gnomAD v4.1.0 dataset. At this time, the clinical significance of this variant is uncertain due to the absence of conclusive functional and genetic evidence.

Labcorp Genetics (formerly Invitae), Labcorp
Classification: Uncertain significance. Last evaluated: 2025-10-22. Review status: criteria provided, single submitter. Criteria: Invitae Variant Classification Sherloc (09022015). Collection method: clinical testing. Allele origin: germline.
Comment: This sequence change replaces alanine, which is neutral and non-polar, with threonine, which is neutral and polar, at codon 296 of the SIX5 protein (p.Ala296Thr). This variant is present in population databases (rs80356462, gnomAD 0.02%). This missense change has been observed in individual(s) with Branchio-Oto-Renal Syndrome (PMID: 17357085). ClinVar contains an entry for this variant (Variation ID: 8599). Invitae Evidence Modeling of protein sequence and biophysical properties (such as structural, functional, and spatial information, amino acid conservation, physicochemical variation, residue mobility, and thermodynamic stability) indicates that this missense variant is not expected to disrupt SIX5 protein function with a negative predictive value of 80%. Experimental studies are conflicting or provide insufficient evidence to determine the effect of this variant on SIX5 function (PMID: 17357085). In summary, the available evidence is currently insufficient to determine the role of this variant in disease. Therefore, it has been classified as a Variant of Uncertain Significance.

Fulgent Genetics
Classification: Likely benign for Branchiootorenal syndrome 2. Last evaluated: 2024-03-26. Review status: criteria provided, single submitter. Criteria: ACMG Guidelines, 2015. Collection method: clinical testing. Allele origin: germline.

GeneDx
Classification: Likely benign. Last evaluated: 2021-02-01. Review status: criteria provided, single submitter. Criteria: GeneDx Variant Classification Process June 2021. Collection method: clinical testing. Allele origin: germline. Affected: yes.
Comment: This variant is associated with the following publications: (PMID: 17357085, 31589614)

Revvity Omics, Revvity
Classification: Uncertain significance for Branchiootorenal syndrome 2. Last evaluated: 2021-01-19. Review status: criteria provided, single submitter. Criteria: ACMG Guidelines, 2015. Collection method: clinical testing. Allele origin: germline.

Breakthrough Genomics
Classification: Likely benign. Review status: criteria provided, single submitter. Criteria: ACMG Guidelines, 2015. Collection method: not provided. Allele origin: germline. Inheritance: Unknown mechanism. Affected: yes.

OMIM
Classification: Pathogenic for BRANCHIOOTORENAL SYNDROME 2. Last evaluated: 2007-04-01. Review status: no assertion criteria provided. Collection method: literature only. Allele origin: germline. Not counted in ClinVar's aggregate classification.

Clinical Genetics DNA and cytogenetics Diagnostics Lab, Erasmus MC, Erasmus Medical Center
Classification: Likely benign. Review status: no assertion criteria provided. Collection method: clinical testing. Allele origin: germline. Affected: yes. Study: VKGL Data-share Consensus. Not counted in ClinVar's aggregate classification.

GeneReviews
No classification provided. Condition: Branchiootorenal syndrome 2. Review status: no classification provided. Collection method: literature only. Allele origin: germline. Not counted in ClinVar's aggregate classification.

Joint Genome Diagnostic Labs from Nijmegen and Maastricht, Radboudumc and MUMC+
Classification: Likely benign. Review status: no assertion criteria provided. Collection method: clinical testing. Allele origin: germline. Affected: yes. Study: VKGL Data-share Consensus. Not counted in ClinVar's aggregate classification.

Literature cited by the submitters: PubMed 17357085 (cited by 3 submitters).

NM_175875.5(SIX5):c.886G>A (p.Ala296Thr)

Genes: SIX5 (SIX homeobox 5; minus strand), LOC107075317 (origin of replication in DMPK trinucleotide repeat region; plus strand). Cytogenetic location: 19q13.32.
Variant type: single nucleotide variant.
Coding change: c.886G>A on transcript NM_175875.5 (MANE Select); coding-DNA position 886, G replaced by A.
Protein change: p.Ala296Thr; replaces alanine 296 with threonine.
Molecular consequence: missense variant.
Genome position (GRCh38, 1-based): chr19:45,767,073, C>T on the plus strand (G>A on the coding strand, the complement: SIX5 is on the minus strand). VCF-style: chr19-45767073-C-T. GRCh37 (hg19) VCF-style: chr19-46270331-C-T.
Other names: short protein forms A296T.
Identifiers: ClinVar variation 8599 (VCV000008599.18), dbSNP rs80356462, ClinGen allele CA340797.